The following is an entry in ClinVar:

NM_001046.3(SLC12A2):c.2380A>G (p.Met794Val)

Gene: SLC12A2 (solute carrier family 12 member 2; plus strand). Cytogenetic location: 5q23.3.
Variant type: single nucleotide variant.
Coding change: c.2380A>G on transcript NM_001046.3 (MANE Select); coding-DNA position 2380, A replaced by G.
Protein change: p.Met794Val; replaces methionine 794 with valine.
Molecular consequence: missense variant. On other transcripts: non-coding transcript variant (1).
Genome position (GRCh38, 1-based): chr5:128,158,069, A>G. VCF-style: chr5-128158069-A-G. GRCh37 (hg19) VCF-style: chr5-127493761-A-G.
Other names: c.2380A>G, p.Met794Val (NM_001256461.2); c.2380A>G (NM_001046.2); short protein forms M794V.
Identifiers: ClinVar variation 1580933 (VCV001580933.9), dbSNP rs116191759, ClinGen allele CA3393355.

ClinVar aggregate classification (germline): Benign/Likely benign. Review status: criteria provided, multiple submitters, no conflicts (2 of 4 stars). 2 submissions from 2 submitters: Benign (1); Likely benign (1). Last evaluated 2025-06-29.

Conditions:
SLC12A2-related disorder. Also called: SLC12A2-related disorders; SLC12A2-related condition.

Allele frequency attached by ClinVar (database versions not stated): gnomAD exomes 0.00010 and 0.00024; ExAC 0.00028; gnomAD 0.00094 and 0.00103; 1000 Genomes Project 0.00100; ESP Exome Variant Server 0.00108; TOPMed 0.00113; 1000 Genomes Project 30x 0.00125.
gnomAD v4.1: 287 of 1,613,020 alleles (0.018%); highest among the groups gnomAD compares: African/African-American, 0.36%; 1 homozygote.

Submissions (2):

Labcorp Genetics (formerly Invitae), Labcorp
Classification: Benign. Last evaluated: 2025-06-29. Review status: criteria provided, single submitter. Criteria: Invitae Variant Classification Sherloc (09022015). Collection method: clinical testing. Allele origin: germline.

PreventionGenetics, part of Exact Sciences
Classification: Likely benign for SLC12A2-related condition. Last evaluated: 2025-04-18. Review status: criteria provided, single submitter. Criteria: ACMG Guidelines, 2015. Collection method: clinical testing. Allele origin: germline.
Comment: This variant is classified as likely benign based on ACMG/AMP sequence variant interpretation guidelines (Richards et al. 2015 PMID: 25741868, with internal and published modifications).